The following is an entry in ClinVar:

ClinVar aggregate classification (germline): Benign/Likely benign. Review status: criteria provided, multiple submitters, no conflicts (2 of 4 stars). 3 submissions from 3 submitters: Benign (1); Likely benign (2). Last evaluated 2026-06-30.

Conditions:
Sessile serrated polyposis cancer syndrome (SSPCS). Identifiers: Orphanet 157798, MedGen C4310714, MONDO:0014919, OMIM 617108.

gnomAD v4.1: 1 of 1,611,024 alleles (0.000062%); no homozygotes.

Submissions (3):

Myriad Genetics, Inc.
Classification: Benign for Sessile serrated polyposis cancer syndrome. Last evaluated: 2026-06-30. Review status: criteria provided, single submitter. Criteria: Myriad Autosomal Dominant, Autosomal Recessive and X-Linked Classification Criteria (2023). Collection method: clinical testing. Allele origin: unknown.
Comment: This variant is considered benign. This variant is a silent/synonymous amino acid change and it is not expected to impact splicing.

Ambry Genetics
Classification: Likely benign. Last evaluated: 2026-03-06. Review status: criteria provided, single submitter. Criteria: Ambry Variant Classification Scheme 2023. Collection method: clinical testing. Allele origin: germline.

Labcorp Genetics (formerly Invitae), Labcorp
Classification: Likely benign. Last evaluated: 2025-11-23. Review status: criteria provided, single submitter. Criteria: Invitae Variant Classification Sherloc (09022015). Collection method: clinical testing. Allele origin: germline.

NM_017763.6(RNF43):c.597G>T (p.Val199=)

Gene: RNF43 (ring finger protein 43; minus strand). Cytogenetic location: 17q22.
Variant type: single nucleotide variant.
Coding change: c.597G>T on transcript NM_017763.6 (MANE Select); coding-DNA position 597, G replaced by T.
Protein change: p.Val199=; no amino-acid change (valine 199 retained).
Molecular consequence: synonymous variant.
Genome position (GRCh38, 1-based): chr17:58,362,634, C>A on the plus strand (G>T on the coding strand, the complement: RNF43 is on the minus strand). VCF-style: chr17-58362634-C-A. GRCh37 (hg19) VCF-style: chr17-56439995-C-A.
Other names: c.597G>T, p.Val199= (NM_001305544.3, NM_001438820.1, NM_001438821.1 and 1 more transcripts); c.216G>T, p.Val72= (NM_001305545.2, NM_001437987.1); c.597G>T (NM_017763.4).
Identifiers: ClinVar variation 4754289 (VCV004754289.3).
Genomic context (GRCh38, chr17:58,362,634, plus strand): 5'-GCGCAGCACCGAAGCCAGGATGATCACAAAGATGGTGCCCACCACTGTCATTAGGATCCA[C>A]ACATCATAATCTGGCTGGGGAGTGAGCAGAGAGGGAAAGGGTCATACTTCCGGGATGAGC-3'
Protein context (NP_060233.3, residues 189-209): KEPPAWPDYD[Val199=]WILMTVVGTI